The following is an entry in ClinVar:

NM_152393.4(KLHL40):c.324A>G (p.Ala108=)

Gene: KLHL40 (kelch like family member 40; plus strand). Cytogenetic location: 3p22.1.
Variant type: single nucleotide variant.
Coding change: c.324A>G on transcript NM_152393.4 (MANE Select); coding-DNA position 324, A replaced by G.
Protein change: p.Ala108=; no amino-acid change (alanine 108 retained).
Molecular consequence: synonymous variant.
Genome position (GRCh38, 1-based): chr3:42,685,942, A>G. VCF-style: chr3-42685942-A-G. GRCh37 (hg19) VCF-style: chr3-42727434-A-G.
Other names: p.Ala108=.
Identifiers: ClinVar variation 262644 (VCV000262644.13), dbSNP rs35033264, ClinGen allele CA2336625.

ClinVar aggregate classification (germline): Benign. Review status: criteria provided, multiple submitters, no conflicts (2 of 4 stars). 6 submissions from 6 submitters: Benign (6). Last evaluated 2026-02-01.

Conditions:
Nemaline myopathy 8 (NEM8). Also called: Nemaline myopathy 8, autosomal recessive. Identifiers: Orphanet 171430, MedGen C3809209, MONDO:0014138, OMIM 615348.

Allele frequency attached by ClinVar (database versions not stated): ExAC 0.01139; gnomAD 0.03361 and 0.03599; ESP Exome Variant Server 0.03576; TOPMed 0.03818; 1000 Genomes Project 0.03854; 1000 Genomes Project 30x 0.04279.

Submissions (6):

Labcorp Genetics (formerly Invitae), Labcorp
Classification: Benign for Nemaline myopathy 8. Last evaluated: 2026-02-01. Review status: criteria provided, single submitter. Criteria: Invitae Variant Classification Sherloc (09022015). Collection method: clinical testing. Allele origin: germline.

Mayo Clinic Laboratories, Mayo Clinic
Classification: Benign. Last evaluated: 2019-03-06. Review status: criteria provided, single submitter. Criteria: ACMG Guidelines, 2015. Collection method: clinical testing. Allele origin: germline. Observed: 9 variant alleles.

Athena Diagnostics
Classification: Benign. Last evaluated: 2019-02-25. Review status: criteria provided, single submitter. Criteria: Athena Diagnostics Criteria. Collection method: clinical testing. Allele origin: germline.

GeneDx
Classification: Benign. Last evaluated: 2016-02-18. Review status: criteria provided, single submitter. Criteria: GeneDx Variant Classification (06012015). Collection method: clinical testing. Allele origin: germline. Affected: yes.
Comment: This variant is considered likely benign or benign based on one or more of the following criteria: it is a conservative change, it occurs at a poorly conserved position in the protein, it is predicted to be benign by multiple in silico algorithms, and/or has population frequency not consistent with disease.

Breakthrough Genomics
Classification: Benign. Review status: criteria provided, single submitter. Criteria: ACMG Guidelines, 2015. Collection method: not provided. Allele origin: germline. Inheritance: Autosomal recessive inheritance. Affected: yes.

PreventionGenetics, part of Exact Sciences
Classification: Benign. Review status: criteria provided, single submitter. Criteria: ACMG Guidelines, 2015. Collection method: clinical testing. Allele origin: germline.